The following is an entry in ClinVar:

NM_002016.2(FLG):c.5387_5967del (p.Gln1796fs)

Genes: CCDST (cervical cancer associated DHX9 suppressive transcript; plus strand), FLG (filaggrin; minus strand). Cytogenetic location: 1q21.3.
Variant type: Deletion.
Coding change: c.5387_5967del on transcript NM_002016.2 (MANE Select); coding-DNA positions 5387 to 5967, 581 bases deleted.
Protein change: p.Gln1796fs; shifts the reading frame from glutamine 1796.
Molecular consequence: frameshift variant.
Genome position (GRCh38, 1-based): chr1:152,308,919-152,309,499, 581 bases deleted. GRCh37 (hg19): chr1:152,281,395-152,281,975.
Other names: c.5387_5967del581, p.Gln1796Argfs (NM_002016.1); short protein forms Q1796fs.
Identifiers: ClinVar variation 2504332 (VCV002504332.3), dbSNP rs2525175035, ClinGen allele CA2580611196.

ClinVar aggregate classification (germline): Pathogenic (1 of 4 stars; one submission).

Submission:

GeneDx
Classification: Pathogenic. Last evaluated: 2026-02-07. Review status: criteria provided, single submitter. Criteria: GeneDx Variant Classification Process June 2021. Collection method: clinical testing. Allele origin: germline. Affected: yes.
Comment: Frameshift variant predicted to result in abnormal protein length as the last 2266 amino acid(s) are replaced with 5 different amino acid(s), and other similar variants have been reported in HGMD; Not observed at significant frequency in large population cohorts (gnomAD); Has not been previously published as pathogenic or benign to our knowledge; This variant is associated with the following publications: (PMID: 16444271)